The following is an entry in ClinVar:

ClinVar aggregate classification (germline): Likely benign. Review status: criteria provided, multiple submitters, no conflicts (2 of 4 stars). 4 submissions from 4 submitters: Likely benign (4). Last evaluated 2025-06-30.

Conditions:
Cardiovascular phenotype. Identifiers: MedGen CN230736.
Catecholaminergic polymorphic ventricular tachycardia (CVPT). Also called: Catecholamine-induced polymorphic ventricular tachycardia. Identifiers: Orphanet 3286, MedGen C5574922, MONDO:0017990.
Catecholaminergic polymorphic ventricular tachycardia 1. Also called: VENTRICULAR TACHYCARDIA, STRESS-INDUCED POLYMORPHIC 1; VENTRICULAR TACHYCARDIA, CATECHOLAMINERGIC POLYMORPHIC, 1, WITH OR WITHOUT ATRIAL DYSFUNCTION AND/OR DILATED CARDIOMYOPATHY; RYR2-Related Catecholaminergic Polymorphic Ventricular Tachycardia. Identifiers: Orphanet 3286, MedGen C1631597, MONDO:0011484, OMIM 604772.
Cardiomyopathy (CMYO). Also called: Cardiomyopathies. Identifiers: Orphanet 167848, MedGen C0878544, MONDO:0004994, HP:0001638. Inheritance: Various modes of inheritance.

Submissions (4):

Labcorp Genetics (formerly Invitae), Labcorp
Classification: Likely benign for Catecholaminergic polymorphic ventricular tachycardia 1. Last evaluated: 2025-06-30. Review status: criteria provided, single submitter. Criteria: Invitae Variant Classification Sherloc (09022015). Collection method: clinical testing. Allele origin: germline.

All of Us Research Program, National Institutes of Health
Classification: Likely benign for Catecholaminergic polymorphic ventricular tachycardia. Last evaluated: 2023-12-18. Review status: criteria provided, single submitter. Criteria: ACMG Guidelines, 2015. Collection method: clinical testing. Allele origin: germline. Inheritance: Autosomal dominant inheritance. Observed: 2 variant alleles, 2 heterozygotes.
Comment: This study involves interpretation of variants in research participants for the purpose of population health screening. Participant phenotype was not available at the time of variant classification. Additional details can be found in publication PMID: 35346344, PMCID: PMC8962531

Color Diagnostics, LLC DBA Color Health
Classification: Likely benign for Cardiomyopathy. Last evaluated: 2019-02-08. Review status: criteria provided, single submitter. Criteria: ACMG Guidelines, 2015. Collection method: clinical testing. Allele origin: germline.

Ambry Genetics
Classification: Likely benign for Cardiovascular phenotype. Last evaluated: 2018-11-16. Review status: criteria provided, single submitter. Criteria: Ambry Variant Classification Scheme 2023. Collection method: clinical testing. Allele origin: germline.

NM_001035.3(RYR2):c.1320G>C (p.Ala440=)

Gene: RYR2 (ryanodine receptor 2; plus strand). Cytogenetic location: 1q43.
Variant type: single nucleotide variant.
Coding change: c.1320G>C on transcript NM_001035.3 (MANE Select); coding-DNA position 1320, G replaced by C.
Protein change: p.Ala440=; no amino-acid change (alanine 440 retained).
Molecular consequence: synonymous variant.
Genome position (GRCh38, 1-based): chr1:237,454,418, G>C. VCF-style: chr1-237454418-G-C. GRCh37 (hg19) VCF-style: chr1-237617718-G-C.
Identifiers: ClinVar variation 765775 (VCV000765775.17), dbSNP rs887478410, ClinGen allele CA423812613.